The following is an entry in ClinVar:

NM_006031.6(PCNT):c.3568T>C (p.Cys1190Arg)

Gene: PCNT (pericentrin; plus strand). Cytogenetic location: 21q22.3.
Variant type: single nucleotide variant.
Coding change: c.3568T>C on transcript NM_006031.6 (MANE Select); coding-DNA position 3568, T replaced by C.
Protein change: p.Cys1190Arg; replaces cysteine 1190 with arginine.
Molecular consequence: missense variant.
Genome position (GRCh38, 1-based): chr21:46,388,845, T>C. VCF-style: chr21-46388845-T-C. GRCh37 (hg19) VCF-style: chr21-47808760-T-C.
Other names: c.3214T>C, p.Cys1072Arg (NM_001315529.2); short protein forms C1072R, C1190R.
Identifiers: ClinVar variation 4984225 (VCV004984225.1).

ClinVar aggregate classification (germline): Uncertain significance (1 of 4 stars; one submission).

Conditions:
PCNT-related disorder. Also called: PCNT-related condition.

gnomAD v4.1: 2 of 1,611,238 alleles (0.00012%); highest among the groups gnomAD compares: African/African-American, 0.0027%; no homozygotes.

Submission:

PreventionGenetics, part of Exact Sciences
Classification: Uncertain significance for PCNT-related condition. Last evaluated: 2025-09-18. Review status: criteria provided, single submitter. Criteria: ACMG Guidelines, 2015. Collection method: clinical testing. Allele origin: germline.
Comment: The PCNT c.3568T>C variant is predicted to result in the amino acid substitution p.Cys1190Arg. To our knowledge, this variant has not been reported in the literature. This variant is reported in 0.011% of alleles in individuals of African descent in gnomAD. At this time, the clinical significance of this variant is uncertain due to the absence of conclusive functional and genetic evidence.